The following is an entry in ClinVar:

ClinVar aggregate classification (germline): Pathogenic/Likely pathogenic. Review status: criteria provided, multiple submitters, no conflicts (2 of 4 stars). 9 submissions from 9 submitters: Pathogenic (2); Likely pathogenic (4). 3 of the submissions do not count toward it. Last evaluated 2025-07-30.

Conditions:
Hereditary cancer-predisposing syndrome. Also called: Tumor predisposition; Neoplastic Syndromes, Hereditary; Hereditary neoplastic syndrome; Hereditary Cancer Syndrome. Identifiers: Orphanet 140162, MedGen C0027672, MeSH D009386, MONDO:0015356.
Familial cancer of breast. Also called: BREAST CANCER, FAMILIAL; hereditary breast carcinoma; Hereditary breast cancer. Identifiers: Orphanet 227535, MedGen C0346153, MONDO:0016419, OMIM 114480. Disease mechanism: loss of function.
Fanconi anemia complementation group N. Also called: PALB2-Related Fanconi Anemia. Identifiers: Orphanet 84, MedGen C1835817, MONDO:0012565, OMIM 610832. Disease mechanism: loss of function.
Pancreatic cancer, susceptibility to, 3. Identifiers: Orphanet 1333, MedGen C3150547, MONDO:0013236, OMIM 613348.

Submissions (9):

Labcorp Genetics (formerly Invitae), Labcorp
Classification: Pathogenic for Familial cancer of breast. Last evaluated: 2025-07-30. Review status: criteria provided, single submitter. Criteria: Invitae Variant Classification Sherloc (09022015). Collection method: clinical testing. Allele origin: germline.
Comment: This sequence change affects a donor splice site in intron 8 of the PALB2 gene. It is expected to disrupt RNA splicing. Variants that disrupt the donor or acceptor splice site typically lead to a loss of protein function (PMID: 16199547), and loss-of-function variants in PALB2 are known to be pathogenic (PMID: 17200668, 17200671, 17200672, 24136930, 25099575). This variant is not present in population databases (gnomAD no frequency). Disruption of this splice site has been observed in individual(s) with breast and/or ovarian cancer (PMID: 25099575, 26681312; internal data). It has also been observed to segregate with disease in related individuals. ClinVar contains an entry for this variant (Variation ID: 143968). Algorithms developed to predict the effect of sequence changes on RNA splicing suggest that this variant may disrupt the consensus splice site. For these reasons, this variant has been classified as Pathogenic.

Ambry Genetics
Classification: Likely pathogenic for Hereditary cancer-predisposing syndrome. Last evaluated: 2025-04-12. Review status: criteria provided, single submitter. Criteria: Ambry Variant Classification Scheme 2023. Collection method: clinical testing. Allele origin: germline.
Comment: The c.2834+1G>T intronic variant results from a G to T substitution one nucleotide after coding exon 8 of the PALB2 gene. This alteration has previously been reported in one high-risk family with breast cancer (Antoniou AC et al. N. Engl. J. Med. 2014 Aug;371(6):497-506). This variant is considered to be rare based on population cohorts in the Genome Aggregation Database (gnomAD). This nucleotide position is highly conserved in available vertebrate species. In silico splice site analysis predicts that this alteration will weaken the native splice donor site; however, direct evidence is insufficient at this time (Ambry internal data). Alterations that disrupt the canonical splice site are expected to cause aberrant splicing, resulting in an abnormal protein or a transcript that is subject to nonsense-mediated mRNA decay. As such, this alteration is classified as likely pathogenic.

GeneDx
Classification: Likely pathogenic. Last evaluated: 2024-09-24. Review status: criteria provided, single submitter. Criteria: GeneDx Variant Classification Process June 2021. Collection method: clinical testing. Allele origin: germline. Affected: yes.
Comment: Canonical splice site variant demonstrated to result in a null allele in a gene for which loss of function is a known mechanism of disease (PMID: 30890586); Observed in an individual with a personal and/or family history of breast and/or ovarian cancer (PMID: 25099575); Not observed at significant frequency in large population cohorts (gnomAD); This variant is associated with the following publications: (PMID: 30890586, 25099575)

Color Diagnostics, LLC DBA Color Health
Classification: Likely pathogenic for Hereditary cancer-predisposing syndrome. Last evaluated: 2024-01-08. Review status: criteria provided, single submitter. Criteria: ACMG Guidelines, 2015. Collection method: clinical testing. Allele origin: germline.
Comment: This variant causes a G>T nucleotide substitution at the +1 position of intron 8 of the PALB2 gene. Splice site prediction tools suggest that this variant may have a significant impact on RNA splicing. Although this prediction has not been confirmed in published RNA studies, this variant is expected to result in an absent or disrupted protein product. This variant has been reported in a suspected hereditary breast and ovarian cancer family (PMID: 25099575). Other substitutions at the canonical splice site +1 and +2 positions are considered disease-causing in ClinVar (variation ID: 182771, 220338, 482048, 821873, 2673834). This variant has not been identified in the general population by the Genome Aggregation Database (gnomAD). Based on the available evidence, this variant is classified as Likely Pathogenic.

Myriad Genetics, Inc.
Classification: Likely pathogenic for Familial cancer of breast. Last evaluated: 2023-03-30. Review status: criteria provided, single submitter. Criteria: Myriad Autosomal Dominant, Autosomal Recessive and X-Linked Classification Criteria (2023). Collection method: clinical testing. Allele origin: unknown.
Comment: This variant is considered likely pathogenic. This variant occurs within a consensus splice junction and is predicted to result in abnormal mRNA splicing of either an out-of-frame exon or an in-frame exon necessary for protein stability and/or normal function.

Fulgent Genetics
Classification: Pathogenic for Familial cancer of breast; Fanconi anemia complementation group N; Pancreatic cancer, susceptibility to, 3. Last evaluated: 2018-10-31. Review status: criteria provided, single submitter. Criteria: ACMG Guidelines, 2015. Collection method: clinical testing. Allele origin: unknown.

Leiden Open Variation Database
Classification: Pathogenic for Familial cancer of breast. Last evaluated: 2019-05-13. Review status: no assertion criteria provided. Collection method: curation. Allele origin: germline. Affected: yes. Not counted in ClinVar's aggregate classification.
Comment: Curators: Marc Tischkowitz, Arleen D. Auerbach. Submitter to LOVD: Marc Tischkowitz.

Counsyl
Classification: Likely pathogenic for Familial cancer of breast. Last evaluated: 2016-07-29. Review status: no assertion criteria provided. Collection method: clinical testing. Allele origin: unknown. Not counted in ClinVar's aggregate classification.

SNPedia
Classification: Pathogenic. Review status: no assertion criteria provided. Collection method: not provided. Allele origin: germline. Not counted in ClinVar's aggregate classification.
ClinVar note: Converted during submission from pathogenic to Pathogenic.

Literature cited by the submitters: PubMed 16199547 (cited by Labcorp Genetics (formerly Invitae), Labcorp); PubMed 17200668 (cited by Labcorp Genetics (formerly Invitae), Labcorp); PubMed 17200671 (cited by Labcorp Genetics (formerly Invitae), Labcorp); PubMed 17200672 (cited by Labcorp Genetics (formerly Invitae), Labcorp); PubMed 24136930 (cited by Labcorp Genetics (formerly Invitae), Labcorp); PubMed 25099575 (cited by 5 submitters); PubMed 26681312 (cited by Labcorp Genetics (formerly Invitae), Labcorp).

NM_024675.4(PALB2):c.2834+1G>T

Gene: PALB2 (partner and localizer of BRCA2; minus strand). Cytogenetic location: 16p12.2.
Variant type: single nucleotide variant.
Coding change: c.2834+1G>T on transcript NM_024675.4 (MANE Select); the canonical splice donor site of the intron after coding-DNA position 2834, G replaced by T.
Molecular consequence: splice donor variant.
Genome position (GRCh38, 1-based): chr16:23,624,008, C>A on the plus strand (G>T on the coding strand, the complement: PALB2 is on the minus strand). VCF-style: chr16-23624008-C-A. GRCh37 (hg19) VCF-style: chr16-23635329-C-A.
Other names: c.1949+1G>T (NM_001407308.1, NM_001407306.1, NM_001407309.1 and 4 more transcripts); c.368+1G>T (NM_001407314.1); c.1046+1G>T (NM_001407313.1, NM_001407312.1); c.2774+1G>T (NM_001407296.1); c.2762+1G>T (NM_001407297.1); c.2672+1G>T (NM_001407302.1, NM_001407298.1); c.2834+1G>T (NM_001407300.1, NM_001407299.1, NM_001407301.1); c.1787+1G>T (NM_001407307.1).
Identifiers: ClinVar variation 143968 (VCV000143968.23), dbSNP rs587776419, ClinGen allele CA294560.
Genomic context (GRCh38, chr16:23,624,008, plus strand): 5'-AAAACCAGCTGACAGAGACAAAGATGAAGGAAAAACAAATCACTCCTTGGGAATTACATA[C>A]CTGATCTCTCTGATTTCCAAATTTCCCAAAGCTACACACACGAGATTATACACATCAGGC-3'